The following is an entry in ClinVar:

NM_001130987.2(DYSF):c.3756+134A>T

Gene: DYSF (dysferlin; plus strand). Cytogenetic location: 2p13.2.
Variant type: single nucleotide variant.
Coding change: c.3756+134A>T on transcript NM_001130987.2 (MANE Select); 134 bases into the intron after coding-DNA position 3756, A replaced by T.
Molecular consequence: intron variant.
Genome position (GRCh38, 1-based): chr2:71,598,879, A>T. VCF-style: chr2-71598879-A-T. GRCh37 (hg19) VCF-style: chr2-71826009-A-T.
Other names: c.3795+134A>T (NM_001130979.2); c.3753+134A>T (NM_001130981.2, NM_001130980.2); c.3702+134A>T (NM_001130978.2, NM_003494.4); c.3660+134A>T (NM_001130977.2, NM_001130976.2); c.3798+134A>T (NM_001130982.2); c.3756+134A>T (NM_001130985.2); c.3705+134A>T (NM_001130983.2, NM_001130455.2); c.3663+134A>T (NM_001130984.2, NM_001130986.2).
Identifiers: ClinVar variation 679990 (VCV000679990.1), dbSNP rs2303601, ClinGen allele CA11072054.
Genomic context (GRCh38, chr2:71,598,879, plus strand): 5'-CGTGGCTGCCCAGCCAGATGGGTGCTCTCCTAACTCCACGGGCCCTAGAACAATTAAAAT[A>T]ATTTTAGAGTCATTAAAAATGGATTGCTAGCACAGATGCCGTTCCCACAGCAGACATTGC-3'

ClinVar aggregate classification (germline): Benign (1 of 4 stars; one submission).

Allele frequency attached by ClinVar (database versions not stated): 1000 Genomes Project 0.34065; 1000 Genomes Project 30x 0.35275; gnomAD exomes 0.37984; TOPMed 0.38885; gnomAD 0.39024 and 0.39553.
gnomAD v4.1: 386,844 of 1,014,130 alleles (38%); highest among the groups gnomAD compares: Admixed American, 41%; 75,946 homozygotes.

Submission:

GeneDx
Classification: Benign. Last evaluated: 2018-06-19. Review status: criteria provided, single submitter. Criteria: GeneDx Variant Classification (06012015). Collection method: clinical testing. Allele origin: germline. Affected: yes.
Comment: This variant is considered likely benign or benign based on one or more of the following criteria: it is a conservative change, it occurs at a poorly conserved position in the protein, it is predicted to be benign by multiple in silico algorithms, and/or has population frequency not consistent with disease.